The following is an entry in ClinVar:

ClinVar aggregate classification (germline): Uncertain significance (1 of 4 stars; one submission).

Conditions:
Cardiac anomalies - developmental delay - facial dysmorphism syndrome (MRFACD). Also called: Impaired intellectual development and distinctive facial features with or without cardiac defects; MED13L Syndrome. Identifiers: Orphanet 369891, MedGen C5192431, MONDO:0014773, OMIM 616789.

gnomAD v4.1: 5 of 1,614,066 alleles (0.00031%); highest among the groups gnomAD compares: Non-Finnish European, 0.00017%; no homozygotes.

Submission:

Pittsburgh Clinical Genomics Laboratory, University of Pittsburgh Medical Center
Classification: Uncertain significance for Cardiac anomalies - developmental delay - facial dysmorphism syndrome. Last evaluated: 2022-12-23. Review status: criteria provided, single submitter. Criteria: ACMG Guidelines, 2015. Collection method: clinical testing. Allele origin: germline. Inheritance: Autosomal dominant inheritance. Affected: yes.
Comment: This sequence variant is a single nucleotide substitution (C>G) at coding position 1822 of the MED13L gene that results in a leucine to valine amino acid change at residue 608 of the MED13L protein. This variant has not been previously reported to databases of clinically relevant variants (ClinVar) or observed in the literature in individuals with MED13L-related illness, to our knowledge. This variant is present in the gnomAD population database (2 of 250864 alleles or 0.0008%). Multiple bioinformatic tools predict that this variant would be tolerated; however, the Leu608 residue is well conserved across the vertebrate species examined. Functiol studies testing the effect of this variant have not been performed, to our knowledge. At this time, there is insufficient evidence to determine if this variant is pathogenic or benign. Therefore, we consider this to be a variant of uncertain significance. ACMG Criteria: BP4, PM2

NM_015335.5(MED13L):c.1822C>G (p.Leu608Val)

Gene: MED13L (mediator complex subunit 13L; minus strand). Cytogenetic location: 12q24.21.
Variant type: single nucleotide variant.
Coding change: c.1822C>G on transcript NM_015335.5 (MANE Select); coding-DNA position 1822, C replaced by G.
Protein change: p.Leu608Val; replaces leucine 608 with valine.
Molecular consequence: missense variant.
Genome position (GRCh38, 1-based): chr12:116,008,591, G>C on the plus strand (C>G on the coding strand, the complement: MED13L is on the minus strand). VCF-style: chr12-116008591-G-C. GRCh37 (hg19) VCF-style: chr12-116446396-G-C.
Other names: short protein forms L608V.
Identifiers: ClinVar variation 3376191 (VCV003376191.1).